The following is an entry in ClinVar:

NM_031407.7(HUWE1):c.12903A>C (p.Thr4301=)

Gene: HUWE1 (HECT, UBA and WWE domain containing E3 ubiquitin protein ligase 1; minus strand). Cytogenetic location: Xp11.22.
Variant type: single nucleotide variant.
Coding change: c.12903A>C on transcript NM_031407.7 (MANE Select); coding-DNA position 12903, A replaced by C.
Protein change: p.Thr4301=; no amino-acid change (threonine 4301 retained).
Molecular consequence: synonymous variant.
Genome position (GRCh38, 1-based): chrX:53,534,126, T>G on the plus strand (A>C on the coding strand, the complement: HUWE1 is on the minus strand). VCF-style: chrX-53534126-T-G. GRCh37 (hg19) VCF-style: chrX-53561087-C-G.
Identifiers: ClinVar variation 2971098 (VCV002971098.3), dbSNP rs477171, ClinGen allele CA2429868914.

ClinVar aggregate classification (germline): Uncertain significance (1 of 4 stars; one submission).

Allele frequency attached by ClinVar (database versions not stated): gnomAD 0.00001.

Submission:

Labcorp Genetics (formerly Invitae), Labcorp
Classification: Uncertain significance. Last evaluated: 2025-04-30. Review status: criteria provided, single submitter. Criteria: Invitae Variant Classification Sherloc (09022015). Collection method: clinical testing. Allele origin: germline.
Comment: This sequence change affects codon 4301 of the HUWE1 mRNA. It is a 'silent' change, meaning that it does not change the encoded amino acid sequence of the HUWE1 protein. This variant is present in population databases (rs477171, gnomAD 0.1%). This variant has not been reported in the literature in individuals affected with HUWE1-related conditions. In summary, the available evidence is currently insufficient to determine the role of this variant in disease. Therefore, it has been classified as a Variant of Uncertain Significance.